The following is an entry in ClinVar:

ClinVar aggregate classification (germline): Uncertain significance. Review status: criteria provided, multiple submitters, no conflicts (2 of 4 stars). 2 submissions from 2 submitters: Uncertain significance (2). Last evaluated 2025-01-31.

Conditions:
Inborn genetic diseases. Identifiers: MedGen C0950123, MeSH D030342.
Retinitis pigmentosa 73 (RP73). Identifiers: Orphanet 791, MedGen C4225287, MONDO:0014687, OMIM 616544.
Mucopolysaccharidosis, MPS-III-C (MPS3C). Also called: SANFILIPPO SYNDROME C; MPS III C; MUCOPOLYSACCHARIDOSIS, TYPE IIIC; Mucopolysaccharidosis type IIIC (Sanfilippo C); mucopolysaccharidosis type 3C; MPS IIIC (Sanfilippo Syndrome Type C). Identifiers: Orphanet 581, Orphanet 79271, MedGen C0086649, MONDO:0009657, OMIM 252930.

Allele frequency attached by ClinVar (database versions not stated): ExAC 0.00002.

Submissions (2):

Ambry Genetics
Classification: Uncertain significance for Inborn genetic diseases. Last evaluated: 2025-01-31. Review status: criteria provided, single submitter. Criteria: Ambry Variant Classification Scheme 2023. Collection method: clinical testing. Allele origin: germline.

Labcorp Genetics (formerly Invitae), Labcorp
Classification: Uncertain significance for Retinitis pigmentosa 73; Mucopolysaccharidosis, MPS-III-C. Last evaluated: 2022-06-03. Review status: criteria provided, single submitter. Criteria: Invitae Variant Classification Sherloc (09022015). Collection method: clinical testing. Allele origin: germline.
Comment: This sequence change replaces leucine, which is neutral and non-polar, with valine, which is neutral and non-polar, at codon 137 of the HGSNAT protein (p.Leu137Val). This variant is present in population databases (rs773170952, gnomAD 0.007%). This variant has not been reported in the literature in individuals affected with HGSNAT-related conditions. Advanced modeling of protein sequence and biophysical properties (such as structural, functional, and spatial information, amino acid conservation, physicochemical variation, residue mobility, and thermodynamic stability) performed at Invitae indicates that this missense variant is not expected to disrupt HGSNAT protein function. In summary, the available evidence is currently insufficient to determine the role of this variant in disease. Therefore, it has been classified as a Variant of Uncertain Significance.

NM_152419.3(HGSNAT):c.409C>G (p.Leu137Val)

Gene: HGSNAT (heparan-alpha-glucosaminide N-acetyltransferase; plus strand). Cytogenetic location: 8p11.21.
Variant type: single nucleotide variant.
Coding change: c.409C>G on transcript NM_152419.3 (MANE Select); coding-DNA position 409, C replaced by G.
Protein change: p.Leu137Val; replaces leucine 137 with valine.
Molecular consequence: missense variant. On other transcripts: 5 prime UTR variant (1).
Genome position (GRCh38, 1-based): chr8:43,158,960, C>G. VCF-style: chr8-43158960-C-G. GRCh37 (hg19) VCF-style: chr8-43014103-C-G.
Other names: c.409C>G, p.Leu137Val (NM_001363227.2, NM_001363228.2); c.-425C>G (NM_001363229.2); c.409C>G (NM_152419.2); short protein forms L137V.
Identifiers: ClinVar variation 2203643 (VCV002203643.2), dbSNP rs773170952, ClinGen allele CA4736503.